The following is an entry in ClinVar:

NM_012414.4(RAB3GAP2):c.2090A>G (p.Asn697Ser)

Gene: RAB3GAP2 (RAB3 GTPase activating non-catalytic protein subunit 2; minus strand). Cytogenetic location: 1q41.
Variant type: single nucleotide variant.
Coding change: c.2090A>G on transcript NM_012414.4 (MANE Select); coding-DNA position 2090, A replaced by G.
Protein change: p.Asn697Ser; replaces asparagine 697 with serine.
Molecular consequence: missense variant.
Genome position (GRCh38, 1-based): chr1:220,182,840, T>C on the plus strand (A>G on the coding strand, the complement: RAB3GAP2 is on the minus strand). VCF-style: chr1-220182840-T-C. GRCh37 (hg19) VCF-style: chr1-220356182-T-C.
Other names: short protein forms N697S.
Identifiers: ClinVar variation 2293486 (VCV002293486.5), dbSNP rs766182343, ClinGen allele CA1402512.

ClinVar aggregate classification (germline): Uncertain significance. Review status: criteria provided, multiple submitters, no conflicts (2 of 4 stars). 3 submissions from 3 submitters: Uncertain significance (3). Last evaluated 2023-11-07.

Conditions:
Inborn genetic diseases. Identifiers: MedGen C0950123, MeSH D030342.
Warburg micro syndrome 2 (WARBM2). Also called: MICRO SYNDROME 2. Identifiers: Orphanet 2510, MedGen C3280214, MONDO:0013641, OMIM 614225.

Allele frequency attached by ClinVar (database versions not stated): gnomAD 0.00001; TOPMed 0.00001; ExAC 0.00002; gnomAD exomes 0.00002.

Submissions (3):

Revvity Omics, Revvity
Classification: Uncertain significance. Last evaluated: 2023-11-07. Review status: criteria provided, single submitter. Criteria: ACMG Guidelines, 2015. Collection method: clinical testing. Allele origin: germline.

Ambry Genetics
Classification: Uncertain significance for Inborn genetic diseases. Last evaluated: 2022-06-08. Review status: criteria provided, single submitter. Criteria: Ambry Variant Classification Scheme 2023. Collection method: clinical testing. Allele origin: germline.

Neuberg Centre For Genomic Medicine, NCGM
Classification: Uncertain significance for Warburg micro syndrome 2. Review status: criteria provided, single submitter. Criteria: ACMG Guidelines, 2015. Collection method: clinical testing. Allele origin: germline. Inheritance: Autosomal recessive inheritance. Affected: yes.
Comment: The missense c.2090A>G (p.Asn697Ser) variant in RAB3GAP2 gene has not been reported previously as a pathogenic variant nor as a benign variant, to our knowledge. The p.Asn697Ser variant is present with allele frequency of 0.0008% in gnomAD Exomes. This variant has been submitted to the ClinVar database as Uncertain Significance. Multiple lines of computational evidence (Polyphen - Benign, SIFT - Tolerated and MutationTaster - Polymorphism) predict no damaging effect on protein structure and function for this variant. The reference amino acid at this position on RAB3GAP2 is predicted as conserved by GERP++ and PhyloP across 100 vertebrates. The amino acid Asn at position 697 is changed to a Ser changing protein sequence and it might alter its composition and physico-chemical properties. For these reasons, this variant has been classified as a Variant of Uncertain Significance (VUS).